The following is an entry in ClinVar:

ClinVar aggregate classification (germline): Pathogenic. Review status: criteria provided, multiple submitters, no conflicts (2 of 4 stars). 3 submissions from 3 submitters: Pathogenic (3). Last evaluated 2023-05-16.

Conditions:
Familial adenomatous polyposis 1 (FAP1). Also called: FAMILIAL ADENOMATOUS POLYPOSIS 1, ATTENUATED; POLYPOSIS, ADENOMATOUS INTESTINAL. Identifiers: MedGen C2713442, MONDO:0021056, OMIM 175100. Disease mechanism: loss of function.
Hereditary cancer-predisposing syndrome. Also called: Hereditary neoplastic syndrome; Neoplastic Syndromes, Hereditary; Tumor predisposition; Hereditary Cancer Syndrome. Identifiers: Orphanet 140162, MedGen C0027672, MeSH D009386, MONDO:0015356.

Submissions (3):

Myriad Genetics, Inc.
Classification: Pathogenic for Familial adenomatous polyposis 1. Last evaluated: 2023-05-16. Review status: criteria provided, single submitter. Criteria: Myriad Autosomal Dominant, Autosomal Recessive and X-Linked Classification Criteria (2023). Collection method: clinical testing. Allele origin: unknown.
Comment: This variant is considered pathogenic. This variant creates a frameshift predicted to result in premature protein truncation.

Ambry Genetics
Classification: Pathogenic for Hereditary cancer-predisposing syndrome. Last evaluated: 2023-05-04. Review status: criteria provided, single submitter. Criteria: Ambry Variant Classification Scheme 2023. Collection method: clinical testing. Allele origin: germline.
Comment: The c.7844_7847delTAAA pathogenic mutation, located in coding exon 15 of the APC gene, results from a deletion of 4 nucleotides at nucleotide positions 7844 to 7847, causing a translational frameshift with a predicted alternate stop codon (p.I2615Kfs*28). This alteration occurs at the 3' terminus of theAPC gene, is not expected to trigger nonsense-mediated mRNA decay, and impacts the last 229 amino acids of the protein. However, premature stop codons are typically deleterious in nature and the impacted region is critical for protein function (Ambry internal data). This variant is considered to be rare based on population cohorts in the Genome Aggregation Database (gnomAD). As such, this alteration is interpreted as a disease-causing mutation.

Labcorp Genetics (formerly Invitae), Labcorp
Classification: Pathogenic for Familial adenomatous polyposis 1. Last evaluated: 2021-08-19. Review status: criteria provided, single submitter. Criteria: Invitae Variant Classification Sherloc (09022015). Collection method: clinical testing. Allele origin: germline.
Comment: For these reasons, this variant has been classified as Pathogenic. A different truncation (p.Tyr2645Lysfs*14) that lies downstream of this variant has been determined to be pathogenic (PMID: 9824584, 1316610, 27081525, 8381579, 22135120, Invitae). This suggests that deletion of this region of the APC protein is causative of disease. This variant is expected to disrupt the EB1 and HDLG binding sites, which mediate interactions with the cytoskeleton (PMID: 15311282, 17293347). While functional studies have not been performed to directly test the effect on APC protein function, this suggests that disruption of the C-terminal portion of the protein is functionally important. This variant has been observed in individual(s) with clinical features of familial adenomatous polyposis (Invitae). ClinVar contains an entry for this variant (Variation ID: 947262). This variant is not present in population databases (ExAC no frequency). This sequence change results in a premature translational stop signal in the APC gene (p.Ile2615Lysfs*28). While this is not anticipated to result in nonsense mediated decay, it is expected to disrupt the last 229 amino acids of the APC protein.

Literature cited by the submitters: PubMed 9824584 (cited by Labcorp Genetics (formerly Invitae), Labcorp); PubMed 1316610 (cited by Labcorp Genetics (formerly Invitae), Labcorp); PubMed 27081525 (cited by Labcorp Genetics (formerly Invitae), Labcorp); PubMed 8381579 (cited by Labcorp Genetics (formerly Invitae), Labcorp); PubMed 22135120 (cited by Labcorp Genetics (formerly Invitae), Labcorp); PubMed 15311282 (cited by Labcorp Genetics (formerly Invitae), Labcorp); PubMed 17293347 (cited by Labcorp Genetics (formerly Invitae), Labcorp).

NM_000038.6(APC):c.7844_7847del (p.Ile2615fs)

Gene: APC (APC regulator of Wnt signaling pathway; plus strand). Cytogenetic location: 5q22.2.
Variant type: Deletion.
Coding change: c.7844_7847del on transcript NM_000038.6 (MANE Select); coding-DNA positions 7844 to 7847, 4 bases deleted (TAAA; older notation c.7844_7847delTAAA).
Protein change: p.Ile2615fs; shifts the reading frame from isoleucine 2615.
Molecular consequence: frameshift variant.
Genome position (GRCh38, 1-based): chr5:112,843,438-112,843,441, TAAA deleted; deleting any 4 consecutive bases within chr5:112,843,435-112,843,441 gives the same sequence; the c. name uses the placement nearest the transcript's 3' end. VCF-style (leftmost placement, unchanged base first): chr5-112843434-AAAAT-A. GRCh37 (hg19) VCF-style: chr5-112179131-AAAAT-A.
Other names: c.7844_7847delTAAA (NM_000038.5); c.7844_7847del, p.Ile2615fs (NM_001127510.3, NM_001354895.2); c.7790_7793del, p.Ile2597fs (NM_001127511.3); c.7898_7901del, p.Ile2633fs (NM_001354896.2); c.7874_7877del, p.Ile2625fs (NM_001354897.2); c.7769_7772del, p.Ile2590fs (NM_001354898.2); c.7760_7763del, p.Ile2587fs (NM_001354899.2); c.7721_7724del, p.Ile2574fs (NM_001354900.2); and 6 more; short protein forms I2332fs, I2455fs, I2524fs, I2556fs, I2574fs, I2597fs, I2615fs, I2489fs.
Identifiers: ClinVar variation 947262 (VCV000947262.15), dbSNP rs1766578455, ClinGen allele CA1139659003.
Genomic context (GRCh38, chr5:112,843,434, plus strand): 5'-TCTATTTCAGGAACCAAACAAAGTAAAGAAAACCAAGTATCCGCAAAAGGAACATGGAGA[AAAAT>A]AAAAGAAAATGAATTTTCTCCCACAAATAGTACTTCTCAGACCGTTTCCTCAGGTGCTAC-3'